The following is an entry in ClinVar:

ClinVar aggregate classification (germline): Pathogenic (1 of 4 stars; one submission).

Submission:

Labcorp Genetics (formerly Invitae), Labcorp
Classification: Pathogenic. Last evaluated: 2020-10-21. Review status: criteria provided, single submitter. Criteria: Invitae Variant Classification Sherloc (09022015). Collection method: clinical testing. Allele origin: germline.
Comment: This variant results in the deletion of exon(s) 11-15 and part of exon 16 (c.1237-204_2080del) of the MTTP gene. It is expected to disrupt RNA splicing. Variants that disrupt the donor or acceptor splice site typically lead to a loss of protein function (PMID: 16199547), and loss-of-function variants in MTTP are known to be pathogenic (PMID: 8533758, 9671739). This variant has not been reported in the literature in individuals with MTTP-related conditions. This variant disrupts the p.Arg540 amino acid residue in MTTP. Other variant(s) that disrupt this residue have been determined to be pathogenic (PMID: 8939939, 10679949, 30522860). This suggests that this residue is clinically significant, and that variants that disrupt this residue are likely to be disease-causing. For these reasons, this variant has been classified as Pathogenic.

Literature cited by the submitters: PubMed 16199547; PubMed 8533758; PubMed 9671739; PubMed 8939939; PubMed 10679949; PubMed 30522860.

NC_000004.11:g.(?_100522557)_100534157del

Gene: MTTP (microsomal triglyceride transfer protein; plus strand).
Variant type: Deletion.
Identifiers: ClinVar variation 1069670 (VCV001069670.2).